The following is an entry in ClinVar:

NM_006383.4(CIB2):c.462G>A (p.Glu154=)

Gene: CIB2 (calcium and integrin binding family member 2; minus strand). Cytogenetic location: 15q25.1.
Variant type: single nucleotide variant.
Coding change: c.462G>A on transcript NM_006383.4 (MANE Select); coding-DNA position 462, G replaced by A.
Protein change: p.Glu154=; no amino-acid change (glutamic acid 154 retained).
Molecular consequence: synonymous variant. On other transcripts: non-coding transcript variant (1).
Genome position (GRCh38, 1-based): chr15:78,105,819, C>T on the plus strand (G>A on the coding strand, the complement: CIB2 is on the minus strand). VCF-style: chr15-78105819-C-T. GRCh37 (hg19) VCF-style: chr15-78398161-C-T.
Other names: p.Glu154=; c.333G>A, p.Glu111= (NM_001271888.2); c.315G>A, p.Glu105= (NM_001271889.2); c.477G>A, p.Glu159= (NM_001301224.2).
Identifiers: ClinVar variation 197786 (VCV000197786.60), dbSNP rs117153558, ClinGen allele CA203084.

ClinVar aggregate classification (germline): Benign/Likely benign. Review status: criteria provided, multiple submitters, no conflicts (2 of 4 stars). 10 submissions from 10 submitters: Benign (2); Likely benign (8). Last evaluated 2026-01-28.

Allele frequency attached by ClinVar (database versions not stated): 1000 Genomes Project 30x 0.00047; 1000 Genomes Project 0.00060; gnomAD exomes 0.00221 and 0.00353; TOPMed 0.00233; gnomAD 0.00234 and 0.00236; ExAC 0.00241; ESP Exome Variant Server 0.00301.
gnomAD v4.1: 5,489 of 1,614,212 alleles (0.34%); highest among the groups gnomAD compares: Non-Finnish European, 0.41%; 16 homozygotes.

Submissions (10):

Labcorp Genetics (formerly Invitae), Labcorp
Classification: Benign. Last evaluated: 2026-01-28. Review status: criteria provided, single submitter. Criteria: Invitae Variant Classification Sherloc (09022015). Collection method: clinical testing. Allele origin: germline.

CeGaT Center for Human Genetics Tuebingen
Classification: Likely benign. Last evaluated: 2025-12-01. Review status: criteria provided, single submitter. Criteria: CeGaT Center For Human Genetics Tuebingen Variant Classification Criteria Version 2. Collection method: clinical testing. Allele origin: germline. Affected: yes. Observed: 7 variant alleles.
Comment: CIB2: BP4, BP7, BS2

Blueprint Genetics
Classification: Likely benign. Last evaluated: 2024-11-26. Review status: criteria provided, single submitter. Criteria: ACMG Guidelines, 2015. Collection method: clinical testing. Allele origin: germline.

Mayo Clinic Laboratories, Mayo Clinic
Classification: Likely benign. Last evaluated: 2021-09-03. Review status: criteria provided, single submitter. Criteria: ACMG Guidelines, 2015. Collection method: clinical testing. Allele origin: germline. Observed: 1 variant allele.
Comment: BS1, BP4, BP7

GeneDx
Classification: Likely benign. Last evaluated: 2020-09-28. Review status: criteria provided, single submitter. Criteria: GeneDx Variant Classification Process June 2021. Collection method: clinical testing. Allele origin: germline. Affected: yes.

Athena Diagnostics
Classification: Likely benign. Last evaluated: 2018-08-30. Review status: criteria provided, single submitter. Criteria: Athena Diagnostics Criteria. Collection method: clinical testing. Allele origin: germline.

Laboratory for Molecular Medicine, Mass General Brigham Personalized Medicine
Classification: Benign. Last evaluated: 2014-11-24. Review status: criteria provided, single submitter. Criteria: LMM Criteria. Collection method: clinical testing. Allele origin: germline. Observed: 7 variant alleles.
Comment: Glu154Glu in exon 5 of CIB2: This variant is not expected to have clinical signi ficance because it does not alter an amino acid residue and is not located withi n the splice consensus sequence. It has been identified in 0.4% (34/8586) of Eur opean American chromosomes from a broad population by the NHLBI Exome Sequencing Project (dbSNP rs117153558).

Eurofins Ntd Llc (ga)
Classification: Likely benign. Last evaluated: 2014-11-10. Review status: criteria provided, single submitter. Criteria: EGL Classification Definitions 2015. Collection method: clinical testing. Allele origin: germline. Observed: 1 variant allele, 1 heterozygote.

Breakthrough Genomics
Classification: Likely benign. Review status: criteria provided, single submitter. Criteria: ACMG Guidelines, 2015. Collection method: not provided. Allele origin: germline. Inheritance: Autosomal recessive inheritance. Affected: yes.

PreventionGenetics, part of Exact Sciences
Classification: Likely benign. Review status: criteria provided, single submitter. Criteria: ACMG Guidelines, 2015. Collection method: clinical testing. Allele origin: germline.